The following is an entry in ClinVar:

ClinVar aggregate classification (germline): Uncertain significance. Review status: criteria provided, multiple submitters, no conflicts (2 of 4 stars). 3 submissions from 3 submitters: Uncertain significance (3). Last evaluated 2022-07-14.

Conditions:
Xeroderma pigmentosum group A (XPA). Also called: Xeroderma pigmentosum, complementation group A; XP, group A; XPA-Related Xeroderma Pigmentosum. Identifiers: Orphanet 910, MedGen C0268135, MONDO:0010210, OMIM 278700.

Allele frequency attached by ClinVar (database versions not stated): gnomAD 0.00003 and 0.00001; TOPMed 0.00003; 1000 Genomes Project 0.00020.
gnomAD v4.1: 90 of 1,598,554 alleles (0.0056%); highest among the groups gnomAD compares: South Asian, 0.062%; no homozygotes.

Submissions (3):

Labcorp Genetics (formerly Invitae), Labcorp
Classification: Uncertain significance. Last evaluated: 2022-07-14. Review status: criteria provided, single submitter. Criteria: Invitae Variant Classification Sherloc (09022015). Collection method: clinical testing. Allele origin: germline.
Comment: This sequence change replaces aspartic acid, which is acidic and polar, with tyrosine, which is neutral and polar, at codon 5 of the XPA protein (p.Asp5Tyr). This variant is present in population databases (rs574504791, gnomAD 0.07%). This variant has not been reported in the literature in individuals affected with XPA-related conditions. ClinVar contains an entry for this variant (Variation ID: 914219). Experimental studies and prediction algorithms are not available or were not evaluated, and the functional significance of this variant is currently unknown. In summary, the available evidence is currently insufficient to determine the role of this variant in disease. Therefore, it has been classified as a Variant of Uncertain Significance.

Illumina Laboratory Services, Illumina
Classification: Uncertain significance for Xeroderma pigmentosum group A. Last evaluated: 2018-01-12. Review status: criteria provided, single submitter. Criteria: ICSL Variant Classification Criteria 13 December 2019. Collection method: clinical testing. Allele origin: germline.

Breakthrough Genomics
Classification: Uncertain significance. Review status: criteria provided, single submitter. Criteria: ACMG Guidelines, 2015. Collection method: not provided. Allele origin: germline. Inheritance: Autosomal recessive inheritance. Affected: yes.

NM_000380.4(XPA):c.13G>T (p.Asp5Tyr)

Gene: XPA (XPA, DNA damage recognition and repair factor; minus strand). Cytogenetic location: 9q22.33.
Variant type: single nucleotide variant.
Coding change: c.13G>T on transcript NM_000380.4 (MANE Select); coding-DNA position 13, G replaced by T.
Protein change: p.Asp5Tyr; replaces aspartic acid 5 with tyrosine.
Molecular consequence: missense variant. On other transcripts: 5 prime UTR variant (1), non-coding transcript variant (5).
Genome position (GRCh38, 1-based): chr9:97,697,280, C>A on the plus strand (G>T on the coding strand, the complement: XPA is on the minus strand). VCF-style: chr9-97697280-C-A. GRCh37 (hg19) VCF-style: chr9-100459562-C-A.
Other names: c.-1137G>T (NM_001354975.2); short protein forms D5Y.
Identifiers: ClinVar variation 914219 (VCV000914219.6), dbSNP rs574504791, ClinGen allele CA5148942.
Genomic context (GRCh38, chr9:97,697,280, plus strand): 5'-GCACCGAGGCAGGCAGCTCCGCGGGTTGCTCTAAAGCCGCCGCCTCCGGCAAAGCCCCGT[C>A]GGCCGCCGCCATCTCTGGCCCACTCCGAGGACCTAGCTCCCAGCTCCACGCACGCGCACT-3'
Protein context (NP_000371.1, residues 1-15): MAAA[Asp5Tyr]GALPEAAALE